The following is an entry in ClinVar:

ClinVar aggregate classification (germline): Uncertain significance. Review status: criteria provided, multiple submitters, no conflicts (2 of 4 stars). 2 submissions from 2 submitters: Uncertain significance (2). Last evaluated 2025-07-31.

gnomAD v4.1: 29 of 1,595,530 alleles (0.0018%); highest among the groups gnomAD compares: Middle Eastern, 0.022%; no homozygotes.

Submissions (2):

Labcorp Genetics (formerly Invitae), Labcorp
Classification: Uncertain significance. Last evaluated: 2025-07-31. Review status: criteria provided, single submitter. Criteria: Invitae Variant Classification Sherloc (09022015). Collection method: clinical testing. Allele origin: germline.
Comment: This sequence change replaces arginine, which is basic and polar, with cysteine, which is neutral and slightly polar, at codon 1013 of the DGKZ protein (p.Arg1013Cys). The frequency data for this variant in the population databases is considered unreliable, as metrics indicate poor data quality at this position in the gnomAD database. This variant has not been reported in the literature in individuals affected with DGKZ-related conditions. ClinVar contains an entry for this variant (Variation ID: 1370397). An algorithm developed to predict the effect of missense changes on protein structure and function (PolyPhen-2) suggests that this variant is likely to be tolerated. In summary, the available evidence is currently insufficient to determine the role of this variant in disease. Therefore, it has been classified as a Variant of Uncertain Significance.

Ambry Genetics
Classification: Uncertain significance. Last evaluated: 2025-04-20. Review status: criteria provided, single submitter. Criteria: Ambry Variant Classification Scheme 2023. Collection method: clinical testing. Allele origin: germline.

NM_001199267.2(DGKZ):c.2470C>T (p.Arg824Cys)

Gene: DGKZ (diacylglycerol kinase zeta; plus strand). Cytogenetic location: 11p11.2.
Variant type: single nucleotide variant.
Coding change: c.2470C>T on transcript NM_001199267.2 (MANE Select); coding-DNA position 2470, C replaced by T.
Protein change: p.Arg824Cys; replaces arginine 824 with cysteine.
Molecular consequence: missense variant.
Genome position (GRCh38, 1-based): chr11:46,379,045, C>T. VCF-style: chr11-46379045-C-T. GRCh37 (hg19) VCF-style: chr11-46400595-C-T.
Other names: c.3037C>T, p.Arg1013Cys (NM_001105540.2); c.2473C>T, p.Arg825Cys (NM_001199266.2, NM_003646.4); c.2404C>T, p.Arg802Cys (NM_001199268.2); c.2521C>T, p.Arg841Cys (NM_201532.3); c.2485C>T, p.Arg829Cys (NM_201533.3); c.3037C>T (NM_001105540.1); short protein forms R1013C, R802C, R825C, R829C, R841C, R824C.
Identifiers: ClinVar variation 1370397 (VCV001370397.9), dbSNP rs558512772, ClinGen allele CA5963286.